The following is an entry in ClinVar:

NM_001035.3(RYR2):c.5056C>T (p.Leu1686Phe)

Gene: RYR2 (ryanodine receptor 2; plus strand). Cytogenetic location: 1q43.
Variant type: single nucleotide variant.
Coding change: c.5056C>T on transcript NM_001035.3 (MANE Select); coding-DNA position 5056, C replaced by T.
Protein change: p.Leu1686Phe; replaces leucine 1686 with phenylalanine.
Molecular consequence: missense variant.
Genome position (GRCh38, 1-based): chr1:237,614,184, C>T. VCF-style: chr1-237614184-C-T. GRCh37 (hg19) VCF-style: chr1-237777484-C-T.
Other names: short protein forms L1686F.
Identifiers: ClinVar variation 920059 (VCV000920059.16), dbSNP rs752684338, ClinGen allele CA086826.

ClinVar aggregate classification (germline): Uncertain significance. Review status: criteria provided, multiple submitters, no conflicts (2 of 4 stars). 5 submissions from 5 submitters: Uncertain significance (5). Last evaluated 2026-01-14.

Conditions:
Cardiomyopathy (CMYO). Also called: Cardiomyopathies. Identifiers: Orphanet 167848, MedGen C0878544, MONDO:0004994, HP:0001638. Inheritance: Various modes of inheritance.
Catecholaminergic polymorphic ventricular tachycardia (CVPT). Also called: Catecholamine-induced polymorphic ventricular tachycardia. Identifiers: Orphanet 3286, MedGen C5574922, MONDO:0017990.
Catecholaminergic polymorphic ventricular tachycardia 1. Also called: RYR2-Related Catecholaminergic Polymorphic Ventricular Tachycardia; VENTRICULAR TACHYCARDIA, STRESS-INDUCED POLYMORPHIC 1; VENTRICULAR TACHYCARDIA, CATECHOLAMINERGIC POLYMORPHIC, 1, WITH OR WITHOUT ATRIAL DYSFUNCTION AND/OR DILATED CARDIOMYOPATHY. Identifiers: Orphanet 3286, MedGen C1631597, MONDO:0011484, OMIM 604772.

Allele frequency attached by ClinVar (database versions not stated): gnomAD 0.00001; TOPMed 0.00001; gnomAD exomes 0.00002; ExAC 0.00003.
gnomAD v4.1: 16 of 1,613,904 alleles (0.00099%); highest among the groups gnomAD compares: Non-Finnish European, 0.0014%; no homozygotes.

Submissions (5):

Labcorp Genetics (formerly Invitae), Labcorp
Classification: Uncertain significance for Catecholaminergic polymorphic ventricular tachycardia 1. Last evaluated: 2026-01-14. Review status: criteria provided, single submitter. Criteria: Invitae Variant Classification Sherloc (09022015). Collection method: clinical testing. Allele origin: germline.
Comment: This sequence change replaces leucine, which is neutral and non-polar, with phenylalanine, which is neutral and non-polar, at codon 1686 of the RYR2 protein (p.Leu1686Phe). This variant is present in population databases (rs752684338, gnomAD 0.005%). This missense change has been observed in individual(s) with features of Brugada syndrome (PMID: 26230511). ClinVar contains an entry for this variant (Variation ID: 920059). Invitae Evidence Modeling of protein sequence and biophysical properties (such as structural, functional, and spatial information, amino acid conservation, physicochemical variation, residue mobility, and thermodynamic stability) indicates that this missense variant is not expected to disrupt RYR2 protein function with a negative predictive value of 95%. In summary, the available evidence is currently insufficient to determine the role of this variant in disease. Therefore, it has been classified as a Variant of Uncertain Significance.

Blueprint Genetics
Classification: Uncertain significance. Last evaluated: 2024-10-23. Review status: criteria provided, single submitter. Criteria: ACMG Guidelines, 2015. Collection method: clinical testing. Allele origin: germline.

All of Us Research Program, National Institutes of Health
Classification: Uncertain significance for Catecholaminergic polymorphic ventricular tachycardia. Last evaluated: 2024-07-29. Review status: criteria provided, single submitter. Criteria: ACMG Guidelines, 2015. Collection method: clinical testing. Allele origin: germline. Inheritance: Autosomal dominant inheritance. Observed: 3 variant alleles, 3 heterozygotes.
Comment: This missense variant replaces leucine with phenylalanine at codon 1686 of the RYR2 protein. Computational prediction is inconclusive regarding the impact of this variant on protein structure and function (internally defined REVEL score threshold 0.5 < inconclusive < 0.7, PMID: 27666373). To our knowledge, functional studies have not been performed for this variant. This variant has been reported in two individuals affected with Brugada syndrome (PMID: 26230511, 30821013). This variant has been identified in 5/249192 chromosomes in the general population by the Genome Aggregation Database (gnomAD). The available evidence is insufficient to determine the role of this variant in disease conclusively. Therefore, this variant is classified as a Variant of Uncertain Significance.

This study involves interpretation of variants in research participants for the purpose of population health screening. Participant phenotype was not available at the time of variant classification. Additional details can be found in publication PMID: 35346344, PMCID: PMC8962531

Color Diagnostics, LLC DBA Color Health
Classification: Uncertain significance for Cardiomyopathy. Last evaluated: 2024-07-17. Review status: criteria provided, single submitter. Criteria: ACMG Guidelines, 2015. Collection method: clinical testing. Allele origin: germline.
Comment: This missense variant replaces leucine with phenylalanine at codon 1686 of the RYR2 protein. Computational prediction is inconclusive regarding the impact of this variant on protein structure and function. To our knowledge, functional studies have not been performed for this variant. This variant has been reported in two individuals affected with Brugada syndrome (PMID: 26230511, 30821013). This variant has been identified in 5/249192 chromosomes in the general population by the Genome Aggregation Database (gnomAD). The available evidence is insufficient to determine the role of this variant in disease conclusively. Therefore, this variant is classified as a Variant of Uncertain Significance.

Phosphorus, Inc.
Classification: Uncertain significance. Last evaluated: 2022-01-13. Review status: criteria provided, single submitter. Criteria: ACMG Guidelines, 2015. Collection method: clinical testing. Allele origin: germline. Inheritance: Autosomal dominant inheritance.
Comment: This missense variant resulted in an amino acid substitution of leucine with phenylalanine at codon 1686 of the RYR2 gene. The variant has occurred in GnomAD with a total MAF of 0.0024% and with the highest MAF of 0.0054% in the European population. This position is conserved. In silico functional algorithm disagreed with Polyphen calling it possibly damaging, and SIFT tolerated, but no functional studies were performed to confirm this prediction. This variant NM_001035.3(RYR2):c.5056C>T (p.Leu1686Phe) is present in the ClinVar database (ID: 920059). The variant has been reported in patients with Brugada syndrome (PMID: 26230511, 30821013). Considering that this is a rare variant and the available evidence is not enough to ascertain its role in disease, it has been classified as a Variant of Uncertain Significance.

Literature cited by the submitters: PubMed 26230511 (cited by 3 submitters); PubMed 30821013 (cited by All of Us Research Program, National Institutes of Health and Color Diagnostics, LLC DBA Color Health).